The following is an entry in ClinVar:

NM_201253.3(CRB1):c.3491C>T (p.Ser1164Phe)

Gene: CRB1 (crumbs cell polarity complex component 1; plus strand). Cytogenetic location: 1q31.3.
Variant type: single nucleotide variant.
Coding change: c.3491C>T on transcript NM_201253.3 (MANE Select); coding-DNA position 3491, C replaced by T.
Protein change: p.Ser1164Phe; replaces serine 1164 with phenylalanine.
Molecular consequence: missense variant. On other transcripts: non-coding transcript variant (2), intron variant (1).
Genome position (GRCh38, 1-based): chr1:197,435,354, C>T. VCF-style: chr1-197435354-C-T. GRCh37 (hg19) VCF-style: chr1-197404484-C-T.
Other names: c.3155C>T, p.Ser1052Phe (NM_001193640.2); c.3419C>T, p.Ser1140Phe (NM_001257965.2); c.2129-246C>T (NM_001257966.2); short protein forms S1164F, S1052F, S1140F.
Identifiers: ClinVar variation 1397487 (VCV001397487.6), dbSNP rs761492989, ClinGen allele CA1312345.

ClinVar aggregate classification (germline): Uncertain significance (1 of 4 stars; one submission).

Conditions:
Retinitis pigmentosa 12 (RP12). Also called: RP WITH OR WITHOUT PPRPE; RP WITH OR WITHOUT PRESERVED PARAARTERIOLE RETINAL PIGMENT EPITHELIUM; RETINITIS PIGMENTOSA WITH OR WITHOUT PARAARTERIOLAR PRESERVATION OF RETINAL PIGMENT EPITHELIUM. Identifiers: Orphanet 791, MedGen C1838647, MONDO:0010818, OMIM 600105.
Leber congenital amaurosis 8 (LCA8). Identifiers: Orphanet 65, MedGen C3151202, MONDO:0013453, OMIM 613835.

Allele frequency attached by ClinVar (database versions not stated): gnomAD exomes below 0.00001; TOPMed below 0.00001; ExAC 0.00001.
gnomAD v4.1: 1 of 1,613,478 alleles (0.000062%); highest among the groups gnomAD compares: Non-Finnish European, 0.000085%; no homozygotes.

Submission:

Labcorp Genetics (formerly Invitae), Labcorp
Classification: Uncertain significance for Leber congenital amaurosis 8; Retinitis pigmentosa 12. Last evaluated: 2021-09-10. Review status: criteria provided, single submitter. Criteria: Invitae Variant Classification Sherloc (09022015). Collection method: clinical testing. Allele origin: germline.
Comment: In summary, the available evidence is currently insufficient to determine the role of this variant in disease. Therefore, it has been classified as a Variant of Uncertain Significance. Advanced modeling of protein sequence and biophysical properties (such as structural, functional, and spatial information, amino acid conservation, physicochemical variation, residue mobility, and thermodynamic stability) performed at Invitae indicates that this missense variant is not expected to disrupt CRB1 protein function. This variant has not been reported in the literature in individuals affected with CRB1-related conditions. This variant is present in population databases (rs761492989, ExAC 0.002%). This sequence change replaces serine with phenylalanine at codon 1164 of the CRB1 protein (p.Ser1164Phe). The serine residue is moderately conserved and there is a large physicochemical difference between serine and phenylalanine.